The following is an entry in ClinVar:

NM_002905.5(RDH5):c.75C>T (p.Pro25=)

Genes: BLOC1S1-RDH5 (BLOC1S1-RDH5 readthrough; plus strand), RDH5 (retinol dehydrogenase 5; plus strand). Cytogenetic location: 12q13.2.
Variant type: single nucleotide variant.
Coding change: c.75C>T on transcript NM_002905.5 (MANE Select); coding-DNA position 75, C replaced by T.
Protein change: p.Pro25=; no amino-acid change (proline 25 retained).
Molecular consequence: synonymous variant.
Genome position (GRCh38, 1-based): chr12:55,721,259, C>T. VCF-style: chr12-55721259-C-T. GRCh37 (hg19) VCF-style: chr12-56115043-C-T.
Other names: c.75C>T, p.Pro25= (NM_001199771.3); c.75C>T (NM_002905.3).
Identifiers: ClinVar variation 1139110 (VCV001139110.11), dbSNP rs528665265, ClinGen allele CA6616738.

ClinVar aggregate classification (germline): Likely benign. Review status: criteria provided, multiple submitters, no conflicts (2 of 4 stars). 3 submissions from 3 submitters: Likely benign (3). Last evaluated 2026-08-26.

Conditions:
RDH5-related disorder. Also called: RDH5-related condition.

Allele frequency attached by ClinVar (database versions not stated): TOPMed below 0.00001; gnomAD exomes 0.00002 and 0.00004; gnomAD 0.00003; ExAC 0.00006; 1000 Genomes Project 30x 0.00016; 1000 Genomes Project 0.00020.
gnomAD v4.1: 36 of 1,614,066 alleles (0.0022%); highest among the groups gnomAD compares: South Asian, 0.023%; no homozygotes.

Submissions (3):

PreventionGenetics, part of Exact Sciences
Classification: Likely benign for RDH5-related condition. Last evaluated: 2026-08-26. Review status: criteria provided, single submitter. Criteria: ACMG Guidelines, 2015. Collection method: clinical testing. Allele origin: germline.
Comment: This variant is classified as likely benign based on ACMG/AMP sequence variant interpretation guidelines (Richards et al. 2015 PMID: 25741868, with internal and published modifications).

Blueprint Genetics
Classification: Likely benign. Last evaluated: 2024-11-05. Review status: criteria provided, single submitter. Criteria: ACMG Guidelines, 2015. Collection method: clinical testing. Allele origin: germline.

Labcorp Genetics (formerly Invitae), Labcorp
Classification: Likely benign. Last evaluated: 2024-10-30. Review status: criteria provided, single submitter. Criteria: Invitae Variant Classification Sherloc (09022015). Collection method: clinical testing. Allele origin: germline.